The following is an entry in ClinVar:

ClinVar aggregate classification (germline): Uncertain significance (1 of 4 stars; one submission).

Conditions:
Brugada syndrome 5 (BRGDA5). Identifiers: Orphanet 130, Orphanet 871, MedGen C2748541, MONDO:0013015, OMIM 612838.

Submission:

Labcorp Genetics (formerly Invitae), Labcorp
Classification: Uncertain significance for Brugada syndrome 5. Last evaluated: 2024-10-24. Review status: criteria provided, single submitter. Criteria: Invitae Variant Classification Sherloc (09022015). Collection method: clinical testing. Allele origin: germline.
Comment: This sequence change replaces tryptophan, which is neutral and slightly polar, with arginine, which is basic and polar, at codon 92 of the SCN1B protein (p.Trp92Arg). This variant is not present in population databases (gnomAD no frequency). This variant has not been reported in the literature in individuals affected with SCN1B-related conditions. ClinVar contains an entry for this variant (Variation ID: 1383972). An algorithm developed to predict the effect of missense changes on protein structure and function (PolyPhen-2) suggests that this variant is likely to be disruptive. In summary, the available evidence is currently insufficient to determine the role of this variant in disease. Therefore, it has been classified as a Variant of Uncertain Significance.

NM_001037.5(SCN1B):c.274T>C (p.Trp92Arg)

Gene: SCN1B (sodium voltage-gated channel beta subunit 1; plus strand). Cytogenetic location: 19q13.11.
Variant type: single nucleotide variant.
Coding change: c.274T>C on transcript NM_001037.5 (MANE Select); coding-DNA position 274, T replaced by C.
Protein change: p.Trp92Arg; replaces tryptophan 92 with arginine.
Molecular consequence: missense variant.
Genome position (GRCh38, 1-based): chr19:35,033,565, T>C. VCF-style: chr19-35033565-T-C. GRCh37 (hg19) VCF-style: chr19-35524469-T-C.
Other names: c.175T>C, p.Trp59Arg (NM_001321605.2); c.274T>C, p.Trp92Arg (NM_199037.5); short protein forms W92R, W59R.
Identifiers: ClinVar variation 1383972 (VCV001383972.6), dbSNP rs2151746407, ClinGen allele CA405328670.